The following is an entry in ClinVar:

NM_001243133.2(NLRP3):c.1093C>T (p.His365Tyr)

Gene: NLRP3 (NLR family pyrin domain containing 3; plus strand). Cytogenetic location: 1q44.
Variant type: single nucleotide variant.
Coding change: c.1093C>T on transcript NM_001243133.2 (MANE Select); coding-DNA position 1093, C replaced by T.
Protein change: p.His365Tyr; replaces histidine 365 with tyrosine.
Molecular consequence: missense variant.
Genome position (GRCh38, 1-based): chr1:247,424,542, C>T. VCF-style: chr1-247424542-C-T. GRCh37 (hg19) VCF-style: chr1-247587844-C-T.
Other names: c.1093C>T, p.His365Tyr (NM_001079821.3, NM_001127461.3, NM_001127462.3 and 1 more transcripts); c.1099C>T, p.His367Tyr (NM_004895.5); short protein forms H367Y, H365Y.
Identifiers: ClinVar variation 2296890 (VCV002296890.3), dbSNP rs1445433098, ClinGen allele CA345556067.

ClinVar aggregate classification (germline): Uncertain significance. Review status: criteria provided, multiple submitters, no conflicts (2 of 4 stars). 2 submissions from 2 submitters: Uncertain significance (2). Last evaluated 2025-03-13.

Conditions:
Inborn genetic diseases. Identifiers: MedGen C0950123, MeSH D030342.
Cryopyrin associated periodic syndrome (CAPS). Identifiers: Orphanet 208650, MedGen C2316212, MONDO:0016168.

Submissions (2):

Labcorp Genetics (formerly Invitae), Labcorp
Classification: Uncertain significance for Cryopyrin associated periodic syndrome. Last evaluated: 2025-03-13. Review status: criteria provided, single submitter. Criteria: Invitae Variant Classification Sherloc (09022015). Collection method: clinical testing. Allele origin: germline.
Comment: This sequence change replaces histidine, which is basic and polar, with tyrosine, which is neutral and polar, at codon 367 of the NLRP3 protein (p.His367Tyr). This variant is present in population databases (no rsID available, gnomAD 0.0009%). This variant has not been reported in the literature in individuals affected with NLRP3-related conditions. ClinVar contains an entry for this variant (Variation ID: 2296890). Invitae Evidence Modeling of protein sequence and biophysical properties (such as structural, functional, and spatial information, amino acid conservation, physicochemical variation, residue mobility, and thermodynamic stability) has been performed for this missense variant. However, the output from this modeling did not meet the statistical confidence thresholds required to predict the impact of this variant on NLRP3 protein function. In summary, the available evidence is currently insufficient to determine the role of this variant in disease. Therefore, it has been classified as a Variant of Uncertain Significance.

Ambry Genetics
Classification: Uncertain significance for Inborn genetic diseases. Last evaluated: 2022-06-24. Review status: criteria provided, single submitter. Criteria: Ambry Variant Classification Scheme 2023. Collection method: clinical testing. Allele origin: germline.